The following is an entry in ClinVar:

ClinVar aggregate classification (germline): Uncertain significance (1 of 4 stars; one submission).

Allele frequency attached by ClinVar (database versions not stated): gnomAD exomes below 0.00001.
gnomAD v4.1: 1 of 1,614,184 alleles (0.000062%); highest among the groups gnomAD compares: Non-Finnish European, 0.000085%; no homozygotes.

Submission:

Labcorp Genetics (formerly Invitae), Labcorp
Classification: Uncertain significance. Last evaluated: 2022-07-07. Review status: criteria provided, single submitter. Criteria: Invitae Variant Classification Sherloc (09022015). Collection method: clinical testing. Allele origin: germline.
Comment: This sequence change replaces alanine, which is neutral and non-polar, with threonine, which is neutral and polar, at codon 301 of the LARS2 protein (p.Ala301Thr). In summary, the available evidence is currently insufficient to determine the role of this variant in disease. Therefore, it has been classified as a Variant of Uncertain Significance. Algorithms developed to predict the effect of missense changes on protein structure and function output the following: SIFT: "Tolerated"; PolyPhen-2: "Benign"; Align-GVGD: "Class C0". The threonine amino acid residue is found in multiple mammalian species, which suggests that this missense change does not adversely affect protein function. This variant has not been reported in the literature in individuals affected with LARS2-related conditions. This variant is not present in population databases (gnomAD no frequency).

NM_015340.4(LARS2):c.901G>A (p.Ala301Thr)

Gene: LARS2 (leucyl-tRNA synthetase 2, mitochondrial; plus strand). Cytogenetic location: 3p21.31.
Variant type: single nucleotide variant.
Coding change: c.901G>A on transcript NM_015340.4 (MANE Select); coding-DNA position 901, G replaced by A.
Protein change: p.Ala301Thr; replaces alanine 301 with threonine.
Molecular consequence: missense variant.
Genome position (GRCh38, 1-based): chr3:45,476,510, G>A. VCF-style: chr3-45476510-G-A. GRCh37 (hg19) VCF-style: chr3-45518002-G-A.
Other names: c.901G>A, p.Ala301Thr (NM_001368263.1); short protein forms A301T.
Identifiers: ClinVar variation 1957693 (VCV001957693.5), dbSNP rs2528974947, ClinGen allele CA352423627.